The following is an entry in ClinVar:

NM_001136157.2(OTUD5):c.920A>G (p.Asn307Ser)

Gene: OTUD5 (OTU deubiquitinase 5; minus strand). Cytogenetic location: Xp11.23.
Variant type: single nucleotide variant.
Coding change: c.920A>G on transcript NM_001136157.2 (MANE Select); coding-DNA position 920, A replaced by G.
Protein change: p.Asn307Ser; replaces asparagine 307 with serine.
Molecular consequence: missense variant.
Genome position (GRCh38, 1-based): chrX:48,934,603, T>C on the plus strand (A>G on the coding strand, the complement: OTUD5 is on the minus strand). VCF-style: chrX-48934603-T-C. GRCh37 (hg19) VCF-style: chrX-48791876-T-C.
Other names: c.920A>G, p.Asn307Ser (NM_001136158.2); c.269A>G, p.Asn90Ser (NM_001136159.2); c.935A>G, p.Asn312Ser (NM_017602.4); short protein forms N307S, N312S, N90S.
Identifiers: ClinVar variation 4686834 (VCV004686834.1).

ClinVar aggregate classification (germline): Uncertain significance (1 of 4 stars; one submission).

Submission:

GeneDx
Classification: Uncertain significance. Last evaluated: 2025-07-20. Review status: criteria provided, single submitter. Criteria: GeneDx Variant Classification Process June 2021. Collection method: clinical testing. Allele origin: germline. Affected: yes.
Comment: Not observed at significant frequency in large population cohorts (gnomAD); In silico analysis supports that this missense variant has a deleterious effect on protein structure/function; Has not been previously published as pathogenic or benign to our knowledge